The following is an entry in ClinVar:

ClinVar aggregate classification (germline): Uncertain significance (1 of 4 stars; one submission).

Submission:

CeGaT Center for Human Genetics Tuebingen
Classification: Uncertain significance. Last evaluated: 2024-11-01. Review status: criteria provided, single submitter. Criteria: CeGaT Center For Human Genetics Tuebingen Variant Classification Criteria Version 2. Collection method: clinical testing. Allele origin: germline. Affected: yes. Observed: 1 variant allele.
Comment: ARCN1: PM2

NM_001655.5(ARCN1):c.8T>C (p.Leu3Pro)

Gene: ARCN1 (archain 1 coat protein complex I subunit delta; plus strand). Cytogenetic location: 11q23.3.
Variant type: single nucleotide variant.
Coding change: c.8T>C on transcript NM_001655.5 (MANE Select); coding-DNA position 8, T replaced by C.
Protein change: p.Leu3Pro; replaces leucine 3 with proline.
Molecular consequence: missense variant. On other transcripts: 5 prime UTR variant (1), non-coding transcript variant (2), intron variant (4).
Genome position (GRCh38, 1-based): chr11:118,581,250, T>C. VCF-style: chr11-118581250-T-C. GRCh37 (hg19) VCF-style: chr11-118451965-T-C.
Other names: c.8T>C, p.Leu3Pro (NM_001425073.1, NM_001425074.1, NM_001425077.1 and 2 more transcripts); c.-62T>C (NM_001425076.1); c.4-53T>C (NM_001425075.1); c.4-1929T>C (NM_001142281.2, NM_001425081.1); c.4-2559T>C (NM_001425080.1); short protein forms L3P.
Identifiers: ClinVar variation 3390100 (VCV003390100.14).